The following is an entry in ClinVar:

ClinVar aggregate classification (germline): Uncertain significance (1 of 4 stars; one submission).

Submission:

GeneDx
Classification: Uncertain significance. Last evaluated: 2025-07-28. Review status: criteria provided, single submitter. Criteria: GeneDx Variant Classification Process June 2021. Collection method: clinical testing. Allele origin: germline. Affected: yes.
Comment: Not observed at significant frequency in large population cohorts (gnomAD); In silico analysis supports that this missense variant has a deleterious effect on protein structure/function; Has not been previously published as pathogenic or benign to our knowledge

NM_000334.4(SCN4A):c.2123C>T (p.Ala708Val)

Genes: GH-LCR (growth hormone locus control region; plus strand), SCN4A (sodium voltage-gated channel alpha subunit 4; minus strand). Cytogenetic location: 17q23.3.
Variant type: single nucleotide variant.
Coding change: c.2123C>T on transcript NM_000334.4 (MANE Select); coding-DNA position 2123, C replaced by T.
Protein change: p.Ala708Val; replaces alanine 708 with valine.
Molecular consequence: missense variant.
Genome position (GRCh38, 1-based): chr17:63,957,415, G>A on the plus strand (C>T on the coding strand, the complement: SCN4A is on the minus strand). VCF-style: chr17-63957415-G-A. GRCh37 (hg19) VCF-style: chr17-62034775-G-A.
Other names: short protein forms A708V.
Identifiers: ClinVar variation 4689847 (VCV004689847.1).